The following is an entry in ClinVar:

NM_206937.2(LIG4):c.2044A>C (p.Ile682Leu)

Gene: LIG4 (DNA ligase 4; minus strand). Cytogenetic location: 13q33.3.
Variant type: single nucleotide variant.
Coding change: c.2044A>C on transcript NM_206937.2 (MANE Select); coding-DNA position 2044, A replaced by C.
Protein change: p.Ile682Leu; replaces isoleucine 682 with leucine.
Molecular consequence: missense variant.
Genome position (GRCh38, 1-based): chr13:108,209,225, T>G on the plus strand (A>C on the coding strand, the complement: LIG4 is on the minus strand). VCF-style: chr13-108209225-T-G. GRCh37 (hg19) VCF-style: chr13-108861573-T-G.
Other names: c.2044A>C, p.Ile682Leu (NM_001098268.2, NM_001352598.2, NM_001352599.2 and 6 more transcripts); c.1843A>C, p.Ile615Leu (NM_001330595.2); c.2080A>C, p.Ile694Leu (NM_001352604.2); short protein forms I615L, I682L, I694L.
Identifiers: ClinVar variation 1428333 (VCV001428333.5), dbSNP rs375816915, ClinGen allele CA7043565.

ClinVar aggregate classification (germline): Uncertain significance. Review status: criteria provided, multiple submitters, no conflicts (2 of 4 stars). 2 submissions from 2 submitters: Uncertain significance (2). Last evaluated 2025-08-05.

Conditions:
Inborn genetic diseases. Identifiers: MedGen C0950123, MeSH D030342.
DNA ligase IV deficiency. Identifiers: Orphanet 99812, MedGen C1847827, MONDO:0011686, OMIM 606593.

Allele frequency attached by ClinVar (database versions not stated): gnomAD exomes 0.00003 and 0.00002; ExAC 0.00004; ESP Exome Variant Server 0.00008; TOPMed 0.00002; gnomAD 0.00003.
gnomAD v4.1: 52 of 1,614,058 alleles (0.0032%); highest among the groups gnomAD compares: Non-Finnish European, 0.0042%; no homozygotes.

Submissions (2):

Ambry Genetics
Classification: Uncertain significance for Inborn genetic diseases. Last evaluated: 2025-08-05. Review status: criteria provided, single submitter. Criteria: Ambry Variant Classification Scheme 2023. Collection method: clinical testing. Allele origin: germline.

Labcorp Genetics (formerly Invitae), Labcorp
Classification: Uncertain significance for DNA ligase IV deficiency. Last evaluated: 2024-10-21. Review status: criteria provided, single submitter. Criteria: Invitae Variant Classification Sherloc (09022015). Collection method: clinical testing. Allele origin: germline.
Comment: This sequence change replaces isoleucine, which is neutral and non-polar, with leucine, which is neutral and non-polar, at codon 682 of the LIG4 protein (p.Ile682Leu). This variant is present in population databases (rs375816915, gnomAD 0.005%). This variant has not been reported in the literature in individuals affected with LIG4-related conditions. ClinVar contains an entry for this variant (Variation ID: 1428333). Invitae Evidence Modeling of protein sequence and biophysical properties (such as structural, functional, and spatial information, amino acid conservation, physicochemical variation, residue mobility, and thermodynamic stability) has been performed for this missense variant. However, the output from this modeling did not meet the statistical confidence thresholds required to predict the impact of this variant on LIG4 protein function. In summary, the available evidence is currently insufficient to determine the role of this variant in disease. Therefore, it has been classified as a Variant of Uncertain Significance.